The following is an entry in ClinVar:

NM_003070.5(SMARCA2):c.3562G>A (p.Ala1188Thr)

Gene: SMARCA2 (SWI/SNF related BAF chromatin remodeling complex subunit ATPase 2; plus strand). Cytogenetic location: 9p24.3.
Variant type: single nucleotide variant.
Coding change: c.3562G>A on transcript NM_003070.5 (MANE Select); coding-DNA position 3562, G replaced by A.
Protein change: p.Ala1188Thr; replaces alanine 1188 with threonine.
Molecular consequence: missense variant.
Genome position (GRCh38, 1-based): chr9:2,115,927, G>A. VCF-style: chr9-2115927-G-A. GRCh37 (hg19) VCF-style: chr9-2115927-G-A.
Other names: c.3562G>A, p.Ala1188Thr (NM_001289396.2, NM_139045.4); c.3388G>A, p.Ala1130Thr (NM_001289397.2); short protein forms A1188T, A1130T.
Identifiers: ClinVar variation 369656 (VCV000369656.3), dbSNP rs281875196, ClinGen allele CA10654750.

ClinVar aggregate classification (germline): Conflicting classifications of pathogenicity. Review status: criteria provided, conflicting classifications (1 of 4 stars). 2 submissions from 2 submitters: Likely pathogenic (1); Uncertain significance (1). Last evaluated 2025-02-19.

Conditions:
Nicolaides-Baraitser syndrome (NCBRS). Also called: Intellectual disability-sparse hair-brachydactyly syndrome; SMARCA2-Related Nicolaides-Baraitser Syndrome. Identifiers: Orphanet 3051, MedGen C1303073, MONDO:0011053, OMIM 601358.

Allele frequency attached by ClinVar (database versions not stated): gnomAD exomes below 0.00001.
gnomAD v4.1: 1 of 1,614,054 alleles (0.000062%); highest among the groups gnomAD compares: Non-Finnish European, 0.000085%; no homozygotes.

Submissions (2):

Labcorp Genetics (formerly Invitae), Labcorp
Classification: Uncertain significance. Last evaluated: 2025-02-19. Review status: criteria provided, single submitter. Criteria: Invitae Variant Classification Sherloc (09022015). Collection method: clinical testing. Allele origin: germline.
Comment: This sequence change replaces alanine, which is neutral and non-polar, with threonine, which is neutral and polar, at codon 1188 of the SMARCA2 protein (p.Ala1188Thr). This variant is not present in population databases (gnomAD no frequency). This missense change has been observed in individual(s) with neurodevelopmental disorder (PMID: 30952489, 37500730). ClinVar contains an entry for this variant (Variation ID: 369656). Invitae Evidence Modeling of protein sequence and biophysical properties (such as structural, functional, and spatial information, amino acid conservation, physicochemical variation, residue mobility, and thermodynamic stability) indicates that this missense variant is expected to disrupt SMARCA2 protein function with a positive predictive value of 80%. This variant disrupts the p.Ala1188 amino acid residue in SMARCA2. Other variant(s) that disrupt this residue have been determined to be pathogenic (PMID: 22366787, 22822383). This suggests that this residue is clinically significant, and that variants that disrupt this residue are likely to be disease-causing. In summary, the available evidence is currently insufficient to determine the role of this variant in disease. Therefore, it has been classified as a Variant of Uncertain Significance.

HudsonAlpha Institute for Biotechnology
Classification: Likely pathogenic for Nicolaides-Baraitser syndrome. Last evaluated: 2016-11-10. Review status: criteria provided, single submitter. Criteria: HA_assertions_20161101. Collection method: research. Allele origin: unknown. Affected: yes. Observed: 1 variant allele. Study: CSER-HudsonAlpha.

Literature cited by the submitters: PubMed 30952489 (cited by Labcorp Genetics (formerly Invitae), Labcorp); PubMed 37500730 (cited by Labcorp Genetics (formerly Invitae), Labcorp); PubMed 22366787 (cited by Labcorp Genetics (formerly Invitae), Labcorp); PubMed 22822383 (cited by Labcorp Genetics (formerly Invitae), Labcorp).